The following is an entry in ClinVar:

NM_000051.4(ATM):c.1533A>G (p.Ile511Met)

Gene: ATM (ATM serine/threonine kinase; plus strand). Cytogenetic location: 11q22.3.
Variant type: single nucleotide variant.
Coding change: c.1533A>G on transcript NM_000051.4 (MANE Select); coding-DNA position 1533, A replaced by G.
Protein change: p.Ile511Met; replaces isoleucine 511 with methionine.
Molecular consequence: missense variant.
Genome position (GRCh38, 1-based): chr11:108,250,998, A>G. VCF-style: chr11-108250998-A-G. GRCh37 (hg19) VCF-style: chr11-108121725-A-G.
Other names: c.1533A>G, p.Ile511Met (NM_001351834.2); c.1533A>G (NM_000051.3); short protein forms I511M.
Identifiers: ClinVar variation 1007298 (VCV001007298.9), dbSNP rs2080115604, ClinGen allele CA382534302.

ClinVar aggregate classification (germline): Uncertain significance. Review status: criteria provided, multiple submitters, no conflicts (2 of 4 stars). 2 submissions from 2 submitters: Uncertain significance (2). Last evaluated 2024-07-15.

Conditions:
Ataxia-telangiectasia syndrome (AT). Also called: Ataxia-telangiectasia, complementation group D; AT, COMPLEMENTATION GROUP C; ATAXIA-TELANGIECTASIA, COMPLEMENTATION GROUP A; ATAXIA-TELANGIECTASIA, FRESNO VARIANT; Ataxia-telangiectasia; Cerebello-oculocutaneous telangiectasia. Identifiers: Orphanet 100, MedGen C0004135, MONDO:0008840, OMIM 208900.
Hereditary cancer-predisposing syndrome. Also called: Hereditary neoplastic syndrome; Neoplastic Syndromes, Hereditary; Tumor predisposition; Hereditary Cancer Syndrome. Identifiers: Orphanet 140162, MedGen C0027672, MeSH D009386, MONDO:0015356.

Allele frequency attached by ClinVar (database versions not stated): gnomAD exomes below 0.00001.
gnomAD v4.1: 1 of 1,614,136 alleles (0.000062%); highest among the groups gnomAD compares: South Asian, 0.0011%; no homozygotes.

Submissions (2):

Ambry Genetics
Classification: Uncertain significance for Hereditary cancer-predisposing syndrome. Last evaluated: 2024-07-15. Review status: criteria provided, single submitter. Criteria: Ambry Variant Classification Scheme 2023. Collection method: clinical testing. Allele origin: germline.
Comment: The p.I511M variant (also known as c.1533A>G), located in coding exon 9 of the ATM gene, results from an A to G substitution at nucleotide position 1533. The isoleucine at codon 511 is replaced by methionine, an amino acid with highly similar properties. This amino acid position is conserved. In addition, this alteration is predicted to be tolerated by in silico analysis. Based on the available evidence, the clinical significance of this variant remains unclear.

Labcorp Genetics (formerly Invitae), Labcorp
Classification: Uncertain significance for Ataxia-telangiectasia syndrome. Last evaluated: 2023-07-31. Review status: criteria provided, single submitter. Criteria: Invitae Variant Classification Sherloc (09022015). Collection method: clinical testing. Allele origin: germline.
Comment: ClinVar contains an entry for this variant (Variation ID: 1007298). This variant has not been reported in the literature in individuals affected with ATM-related conditions. This variant is not present in population databases (gnomAD no frequency). This sequence change replaces isoleucine, which is neutral and non-polar, with methionine, which is neutral and non-polar, at codon 511 of the ATM protein (p.Ile511Met). An algorithm developed to predict the effect of missense changes on protein structure and function (PolyPhen-2) suggests that this variant is likely to be tolerated. In summary, the available evidence is currently insufficient to determine the role of this variant in disease. Therefore, it has been classified as a Variant of Uncertain Significance.